The following is an entry in ClinVar:

ClinVar aggregate classification (germline): Likely benign (1 of 4 stars; one submission).

Submission:

GeneDx
Classification: Likely benign. Last evaluated: 2017-11-10. Review status: criteria provided, single submitter. Criteria: GeneDx Variant Classification (06012015). Collection method: clinical testing. Allele origin: germline. Affected: yes.
Comment: This variant is considered likely benign or benign based on one or more of the following criteria: it is a conservative change, it occurs at a poorly conserved position in the protein, it is predicted to be benign by multiple in silico algorithms, and/or has population frequency not consistent with disease.

NM_001267550.2(TTN):c.50551+11C>G

Genes: TTN (titin; minus strand), TTN-AS1 (TTN antisense RNA 1; plus strand). Cytogenetic location: 2q31.2.
Variant type: single nucleotide variant.
Coding change: c.50551+11C>G on transcript NM_001267550.2 (MANE Select); 11 bases into the intron after coding-DNA position 50551, C replaced by G.
Molecular consequence: intron variant.
Genome position (GRCh38, 1-based): chr2:178,611,747, G>C on the plus strand (C>G on the coding strand, the complement: TTN is on the minus strand). VCF-style: chr2-178611747-G-C. GRCh37 (hg19) VCF-style: chr2-179476474-G-C.
Other names: c.45628+11C>G (NM_001256850.1); c.23356+11C>G (NM_003319.4); c.23932+11C>G (NM_133437.4); c.23731+11C>G (NM_133432.3); c.42847+11C>G (NM_133378.4).
Identifiers: ClinVar variation 513513 (VCV000513513.1), dbSNP rs1169808515, ClinGen allele CA658795995.
Genomic context (GRCh38, chr2:178,611,747, plus strand): 5'-GAGTGAAATATTCATATCCACAGTCTCATCAAGTTCTAGACAATATCTTGTGTATAATCA[G>C]CACTACTTACTTGTTGGATCTTCAATGGATAGGATTTCTGTGGGTTCACTTGGGTGGCCA-3'